The following is an entry in ClinVar:

ClinVar aggregate classification (germline): Benign/Likely benign. Review status: criteria provided, multiple submitters, no conflicts (2 of 4 stars). 8 submissions from 8 submitters: Benign (4); Likely benign (3). 1 of the submissions does not count toward it. Last evaluated 2026-01-19.

Conditions:
Oto-palato-digital syndrome, type II (OPD2). Also called: FACIOPALATOOSSEOUS SYNDROME; Otopalatodigital Syndrome, Type II; Otopalatodigital Syndrome Type 2 (FLNA-OPD2); OPD II SYNDROME. Identifiers: Orphanet 669, Orphanet 90652, MedGen C1844696, MONDO:0010571, OMIM 304120.
Heterotopia, periventricular, X-linked dominant (PVNH1). Also called: X-linked periventricular heterotopia; PERIVENTRICULAR NODULAR HETEROTOPIA 1; PERIVENTRICULAR NODULAR HETEROTOPIA 4; HETEROTOPIA, PERIVENTRICULAR, 1. Identifiers: Orphanet 2149, Orphanet 82004, MedGen C1848213, MONDO:0010233, OMIM 300049.
Frontometaphyseal dysplasia (FMD1). Identifiers: Orphanet 1826, MedGen C0265293, MONDO:0015942.
Melnick-Needles syndrome (MNS). Also called: Melnick-Needles Syndrome (FLNA-MNS); MELNICK-NEEDLES OSTEODYSPLASTY; OSTEODYSPLASTY OF MELNICK AND NEEDLES. Identifiers: Orphanet 2484, MedGen C0025237, MONDO:0010650, OMIM 309350.
FLNA-related disorder.
Familial thoracic aortic aneurysm and aortic dissection (TAAD). Also called: Thoracic aortic aneurysms and dissections. Identifiers: Orphanet 91387, MedGen C4707243, MONDO:0019625.

Allele frequency attached by ClinVar (database versions not stated): gnomAD 0.00017 and 0.00018; gnomAD exomes 0.00023 and 0.00034; ESP Exome Variant Server 0.00031; TOPMed 0.00031; ExAC 0.00037.
gnomAD v4.1: 299 of 1,203,992 alleles (0.025%); highest among the groups gnomAD compares: Non-Finnish European, 0.017%; no homozygotes.

Submissions (8):

Labcorp Genetics (formerly Invitae), Labcorp
Classification: Benign for Oto-palato-digital syndrome, type II; Heterotopia, periventricular, X-linked dominant; Frontometaphyseal dysplasia; Melnick-Needles syndrome. Last evaluated: 2026-01-19. Review status: criteria provided, single submitter. Criteria: Invitae Variant Classification Sherloc (09022015). Collection method: clinical testing. Allele origin: germline.

Mayo Clinic Laboratories, Mayo Clinic
Classification: Benign. Last evaluated: 2025-09-05. Review status: criteria provided, single submitter. Criteria: ACMG Guidelines, 2015. Collection method: clinical testing. Allele origin: germline. Observed: 3 variant alleles.
Comment: BS1, BS2, PP2

Women's Health and Genetics/Laboratory Corporation of America, LabCorp
Classification: Benign. Last evaluated: 2025-05-02. Review status: criteria provided, single submitter. Criteria: LabCorp Variant Classification Summary - May 2015. Collection method: clinical testing. Allele origin: germline.
Comment: Variant summary: FLNA c.2845G>A (p.Val949Ile) results in a conservative amino acid change in the encoded protein sequence. Algorithms developed to predict the effect of missense changes on protein structure and function are either unavailable or do not agree on the potential impact of this missense change. The variant allele was found at a frequency of 0.00025 in 1203992 control chromosomes including 90. The observed variant frequency is approximately 800 fold of the estimated maximal expected allele frequency for a pathogenic variant in FLNA causing Periventricular Nodular Heterotopia phenotype (3.1e-07). To our knowledge, no occurrence of c.2845G>A in individuals affected with Periventricular Nodular Heterotopia and no experimental evidence demonstrating its impact on protein function have been reported. ClinVar contains an entry for this variant (Variation ID: 213467). Based on the evidence outlined above, the variant was classified as benign.

ARUP Laboratories, Molecular Genetics and Genomics, ARUP Laboratories
Classification: Likely benign. Last evaluated: 2025-04-09. Review status: criteria provided, single submitter. Criteria: ARUP Molecular Germline Variant Investigation Process 2024. Collection method: clinical testing. Allele origin: germline.

Blueprint Genetics
Classification: Likely benign. Last evaluated: 2024-09-30. Review status: criteria provided, single submitter. Criteria: ACMG Guidelines, 2015. Collection method: clinical testing. Allele origin: germline.

GeneDx
Classification: Likely benign. Last evaluated: 2020-09-17. Review status: criteria provided, single submitter. Criteria: GeneDx Variant Classification Process June 2021. Collection method: clinical testing. Allele origin: germline. Affected: yes.
Comment: This variant is associated with the following publications: (PMID: 27900360)

Ambry Genetics
Classification: Benign for Familial thoracic aortic aneurysm and aortic dissection. Last evaluated: 2016-07-08. Review status: criteria provided, single submitter. Criteria: Ambry Variant Classification Scheme 2023. Collection method: clinical testing. Allele origin: germline.

PreventionGenetics, part of Exact Sciences
Classification: Benign for FLNA-related condition. Last evaluated: 2019-06-13. Review status: no assertion criteria provided. Collection method: clinical testing. Allele origin: germline. Not counted in ClinVar's aggregate classification.
Comment: This variant is classified as benign based on ACMG/AMP sequence variant interpretation guidelines (Richards et al. 2015 PMID: 25741868, with internal and published modifications).

Literature cited by the submitters: PubMed 30986657 (cited by Mayo Clinic Laboratories, Mayo Clinic).

NM_001110556.2(FLNA):c.2845G>A (p.Val949Ile)

Gene: FLNA (filamin A; minus strand). Cytogenetic location: Xq28.
Variant type: single nucleotide variant.
Coding change: c.2845G>A on transcript NM_001110556.2 (MANE Select); coding-DNA position 2845, G replaced by A.
Protein change: p.Val949Ile; replaces valine 949 with isoleucine.
Molecular consequence: missense variant.
Genome position (GRCh38, 1-based): chrX:154,361,769, C>T on the plus strand (G>A on the coding strand, the complement: FLNA is on the minus strand). VCF-style: chrX-154361769-C-T. GRCh37 (hg19) VCF-style: chrX-153590137-C-T.
Other names: p.V949I:GTC>ATC; p.Val949Ile; c.2845G>A (NM_001110556.1); c.2845G>A, p.Val949Ile (NM_001456.4); short protein forms V949I.
Identifiers: ClinVar variation 213467 (VCV000213467.25), dbSNP rs201656372, ClinGen allele CA323120.